The following is an entry in ClinVar:

ClinVar aggregate classification (germline): Uncertain significance (1 of 4 stars; one submission).

Conditions:
Developmental and epileptic encephalopathy, 12 (DEE12). Identifiers: MedGen C3150988, MONDO:0013389, OMIM 613722.

Submission:

Labcorp Genetics (formerly Invitae), Labcorp
Classification: Uncertain significance for Developmental and epileptic encephalopathy, 12. Last evaluated: 2025-04-24. Review status: criteria provided, single submitter. Criteria: Invitae Variant Classification Sherloc (09022015). Collection method: clinical testing. Allele origin: germline.
Comment: This sequence change replaces valine, which is neutral and non-polar, with alanine, which is neutral and non-polar, at codon 435 of the PNKP protein (p.Val435Ala). This variant is not present in population databases (gnomAD no frequency). This variant has not been reported in the literature in individuals affected with PNKP-related conditions. ClinVar contains an entry for this variant (Variation ID: 2079526). Invitae Evidence Modeling of protein sequence and biophysical properties (such as structural, functional, and spatial information, amino acid conservation, physicochemical variation, residue mobility, and thermodynamic stability) indicates that this missense variant is not expected to disrupt PNKP protein function with a negative predictive value of 80%. In summary, the available evidence is currently insufficient to determine the role of this variant in disease. Therefore, it has been classified as a Variant of Uncertain Significance.

NM_007254.4(PNKP):c.1304T>C (p.Val435Ala)

Gene: PNKP (polynucleotide kinase 3'-phosphatase; minus strand). Cytogenetic location: 19q13.33.
Variant type: single nucleotide variant.
Coding change: c.1304T>C on transcript NM_007254.4 (MANE Select); coding-DNA position 1304, T replaced by C.
Protein change: p.Val435Ala; replaces valine 435 with alanine.
Molecular consequence: missense variant.
Genome position (GRCh38, 1-based): chr19:49,861,690, A>G on the plus strand (T>C on the coding strand, the complement: PNKP is on the minus strand). VCF-style: chr19-49861690-A-G. GRCh37 (hg19) VCF-style: chr19-50364947-A-G.
Other names: short protein forms V435A.
Identifiers: ClinVar variation 2079526 (VCV002079526.4), dbSNP rs1293289802, ClinGen allele CA406933287.